The following is an entry in ClinVar:

ClinVar aggregate classification (germline): Conflicting classifications of pathogenicity. Review status: criteria provided, conflicting classifications (1 of 4 stars). 2 submissions from 2 submitters: Uncertain significance (1); Likely benign (1). Last evaluated 2025-01-29.

Conditions:
Primary ciliary dyskinesia. Also called: Ciliary dyskinesia. Identifiers: Orphanet 244, MedGen C0008780, MONDO:0016575, HP:0012265.

Allele frequency attached by ClinVar (database versions not stated): ExAC 0.00001; gnomAD 0.00002.
gnomAD v4.1: 18 of 1,614,028 alleles (0.0011%); highest among the groups gnomAD compares: Admixed American, 0.005%; no homozygotes.

Submissions (2):

Labcorp Genetics (formerly Invitae), Labcorp
Classification: Likely benign for Primary ciliary dyskinesia. Last evaluated: 2025-01-29. Review status: criteria provided, single submitter. Criteria: Invitae Variant Classification Sherloc (09022015). Collection method: clinical testing. Allele origin: germline.

Ambry Genetics
Classification: Uncertain significance for Primary ciliary dyskinesia. Last evaluated: 2024-03-08. Review status: criteria provided, single submitter. Criteria: Ambry Variant Classification Scheme 2023. Collection method: clinical testing. Allele origin: germline.
Comment: The p.R661C variant (also known as c.1981C>T), located in coding exon 14 of the DNAH5 gene, results from a C to T substitution at nucleotide position 1981. The arginine at codon 661 is replaced by cysteine, an amino acid with highly dissimilar properties. This amino acid position is conserved. In addition, the in silico prediction for this alteration is inconclusive. Based on the available evidence, the clinical significance of this alteration remains unclear.

NM_001369.3(DNAH5):c.1981C>T (p.Arg661Cys)

Gene: DNAH5 (dynein axonemal heavy chain 5; minus strand). Cytogenetic location: 5p15.2.
Variant type: single nucleotide variant.
Coding change: c.1981C>T on transcript NM_001369.3 (MANE Select); coding-DNA position 1981, C replaced by T.
Protein change: p.Arg661Cys; replaces arginine 661 with cysteine.
Molecular consequence: missense variant.
Genome position (GRCh38, 1-based): chr5:13,901,323, G>A on the plus strand (C>T on the coding strand, the complement: DNAH5 is on the minus strand). VCF-style: chr5-13901323-G-A. GRCh37 (hg19) VCF-style: chr5-13901432-G-A.
Other names: c.1981C>T (NM_001369.2); short protein forms R661C.
Identifiers: ClinVar variation 2148789 (VCV002148789.5), dbSNP rs763771549, ClinGen allele CA3204703.